The following is an entry in ClinVar:

ClinVar aggregate classification (germline): Uncertain significance (1 of 4 stars; one submission).

Conditions:
Combined immunodeficiency due to LRBA deficiency. Also called: Common variable immunodeficiency 8, with autoimmunity. Identifiers: Orphanet 445018, MedGen C3553512, MONDO:0013863, OMIM 614700.

Allele frequency attached by ClinVar (database versions not stated): gnomAD exomes below 0.00001 and 0.00001.
gnomAD v4.1: 13 of 1,612,310 alleles (0.00081%); highest among the groups gnomAD compares: Non-Finnish European, 0.001%; no homozygotes.

Submission:

Labcorp Genetics (formerly Invitae), Labcorp
Classification: Uncertain significance for Combined immunodeficiency due to LRBA deficiency. Last evaluated: 2018-10-04. Review status: criteria provided, single submitter. Criteria: Invitae Variant Classification Sherloc (09022015). Collection method: clinical testing. Allele origin: germline.
Comment: This sequence change replaces phenylalanine with cysteine at codon 1740 of the LRBA protein (p.Phe1740Cys). The phenylalanine residue is weakly conserved and there is a large physicochemical difference between phenylalanine and cysteine. This variant is not present in population databases (ExAC no frequency). This variant has not been reported in the literature in individuals with LRBA-related disease. Algorithms developed to predict the effect of missense changes on protein structure and function (SIFT, PolyPhen-2, Align-GVGD) all suggest that this variant is likely to be tolerated, but these predictions have not been confirmed by published functional studies and their clinical significance is uncertain. In summary, the available evidence is currently insufficient to determine the role of this variant in disease. Therefore, it has been classified as a Variant of Uncertain Significance.

NM_001364905.1(LRBA):c.5219T>G (p.Phe1740Cys)

Gene: LRBA (LPS responsive beige-like anchor protein; minus strand). Cytogenetic location: 4q31.3.
Variant type: single nucleotide variant.
Coding change: c.5219T>G on transcript NM_001364905.1 (MANE Select); coding-DNA position 5219, T replaced by G.
Protein change: p.Phe1740Cys; replaces phenylalanine 1740 with cysteine.
Molecular consequence: missense variant.
Genome position (GRCh38, 1-based): chr4:150,817,210, A>C on the plus strand (T>G on the coding strand, the complement: LRBA is on the minus strand). VCF-style: chr4-150817210-A-C. GRCh37 (hg19) VCF-style: chr4-151738362-A-C.
Other names: c.5219T>G, p.Phe1740Cys (NM_001199282.3, NM_001367550.1, NM_006726.5); short protein forms F1740C.
Identifiers: ClinVar variation 661229 (VCV000661229.8), dbSNP rs1314663542, ClinGen allele CA358610421.